The following is an entry in ClinVar:

ClinVar aggregate classification (germline): Uncertain significance (1 of 4 stars; one submission).

Conditions:
Very long chain acyl-CoA dehydrogenase deficiency (ACADVLD). Also called: Very Long-Chain Acyl-Coenzyme A Dehydrogenase Deficiency; VLCAD Deficiency. Identifiers: Orphanet 26793, MedGen C3887523, MONDO:0008723, OMIM 201475.

Submission:

ARUP Laboratories, Molecular Genetics and Genomics, ARUP Laboratories
Classification: Uncertain significance for Very long chain acyl-CoA dehydrogenase deficiency. Last evaluated: 2021-09-03. Review status: criteria provided, single submitter. Criteria: ARUP Molecular Germline Variant Investigation Process 2021. Collection method: clinical testing. Allele origin: germline.
Comment: The ACADVL c.1964T>C; p.Phe655Ser variant, to our knowledge, is not reported in the medical literature or gene specific databases. This variant is also absent from the Genome Aggregation Database, indicating it is not a common polymorphism. The phenylalanine at codon 655 is moderately conserved, and computational analyses predict that this variant is deleterious (REVEL: 0.734). However, given the lack of clinical and functional data, the significance of the p.Phe655Ser variant is uncertain at this time.

NM_000018.4(ACADVL):c.1964T>C (p.Phe655Ser)

Gene: ACADVL (acyl-CoA dehydrogenase very long chain; plus strand). Cytogenetic location: 17p13.1.
Variant type: single nucleotide variant.
Coding change: c.1964T>C on transcript NM_000018.4 (MANE Select); coding-DNA position 1964, T replaced by C.
Protein change: p.Phe655Ser; replaces phenylalanine 655 with serine.
Molecular consequence: missense variant.
Genome position (GRCh38, 1-based): chr17:7,225,093, T>C. VCF-style: chr17-7225093-T-C. GRCh37 (hg19) VCF-style: chr17-7128412-T-C.
Other names: c.1898T>C, p.Phe633Ser (NM_001033859.3); c.2033T>C, p.Phe678Ser (NM_001270447.2); c.1736T>C, p.Phe579Ser (NM_001270448.2); short protein forms F579S, F633S, F655S, F678S.
Identifiers: ClinVar variation 1330757 (VCV001330757.7), dbSNP rs377659973, ClinGen allele CA397726268.
Genomic context (GRCh38, chr17:7,225,093, plus strand): 5'-AAAGCATCTCCAAGGCCTTGGTGGAGCGGGGTGGTGTGGTCACCAGCAACCCACTTGGCT[T>C]CTGAATACTCCCGGCCAGGGCCTGTCCCAGTTATGTGCCTTCCCTCAAGCCAAAGCCGAA-3'
Protein context (NP_000009.1, residues 645-655): GGVVTSNPLG[Phe655Ser]